The following is an entry in ClinVar:

NM_147127.5(EVC2):c.1295T>C (p.Phe432Ser)

Genes: EVC2 (EvC ciliary complex subunit 2; minus strand), LOC126806961 (BRD4-independent group 4 enhancer GRCh37_chr4:5641443-5642642; plus strand). Cytogenetic location: 4p16.2.
Variant type: single nucleotide variant.
Coding change: c.1295T>C on transcript NM_147127.5 (MANE Select); coding-DNA position 1295, T replaced by C.
Protein change: p.Phe432Ser; replaces phenylalanine 432 with serine.
Molecular consequence: missense variant.
Genome position (GRCh38, 1-based): chr4:5,640,689, A>G on the plus strand (T>C on the coding strand, the complement: EVC2 is on the minus strand). VCF-style: chr4-5640689-A-G. GRCh37 (hg19) VCF-style: chr4-5642416-A-G.
Other names: c.1055T>C, p.Phe352Ser (NM_001166136.2); short protein forms F432S, F352S.
Identifiers: ClinVar variation 461807 (VCV000461807.4), dbSNP rs1381375453, ClinGen allele CA356151835.
Genomic context (GRCh38, chr4:5,640,689, plus strand): 5'-ACCATCTTCCGATCGTACTCCTCTTGTATTTCATTTTCCAGCAATAGAAACTGCTTTTTG[A>G]AAACAGCACTCATTTTTCTCTCTACTTGGGGTGAGAGGTGGCCACTGCTGGTGAGATTTT-3'
Protein context (NP_667338.3, residues 422-442): PQVERKMSAV[Phe432Ser]KKQFLLLENE

ClinVar aggregate classification (germline): Uncertain significance. Review status: criteria provided, multiple submitters, no conflicts (2 of 4 stars). 2 submissions from 2 submitters: Uncertain significance (2). Last evaluated 2026-03-23.

Conditions:
Inborn genetic diseases. Identifiers: MedGen C0950123, MeSH D030342.
Curry-Hall syndrome (WAD). Also called: WEYERS ACRODENTAL DYSOSTOSIS. Identifiers: Orphanet 952, MedGen C0457013, MONDO:0008673, OMIM 193530.
Ellis-van Creveld syndrome (EVC). Also called: MESOECTODERMAL DYSPLASIA; Chondroectodermal dysplasia. Identifiers: Orphanet 289, MedGen C0013903, MONDO:0009162, OMIM 225500.

Allele frequency attached by ClinVar (database versions not stated): gnomAD exomes below 0.00001.
gnomAD v4.1: 1 of 1,614,114 alleles (0.000062%); highest among the groups gnomAD compares: Admixed American, 0.0017%; no homozygotes.

Submissions (2):

Ambry Genetics
Classification: Uncertain significance for Inborn genetic diseases. Last evaluated: 2026-03-23. Review status: criteria provided, single submitter. Criteria: Ambry Variant Classification Scheme 2023. Collection method: clinical testing. Allele origin: germline.

Labcorp Genetics (formerly Invitae), Labcorp
Classification: Uncertain significance for Curry-Hall syndrome; Ellis-van Creveld syndrome. Last evaluated: 2021-08-27. Review status: criteria provided, single submitter. Criteria: Invitae Variant Classification Sherloc (09022015). Collection method: clinical testing. Allele origin: germline.
Comment: This sequence change replaces phenylalanine with serine at codon 432 of the EVC2 protein (p.Phe432Ser). The phenylalanine residue is highly conserved and there is a large physicochemical difference between phenylalanine and serine. This variant is not present in population databases (ExAC no frequency). This variant has not been reported in the literature in individuals affected with EVC2-related conditions. Algorithms developed to predict the effect of missense changes on protein structure and function are either unavailable or do not agree on the potential impact of this missense change (SIFT: "Deleterious"; PolyPhen-2: "Possibly Damaging"; Align-GVGD: "Class C0"). In summary, the available evidence is currently insufficient to determine the role of this variant in disease. Therefore, it has been classified as a Variant of Uncertain Significance.